The following is an entry in ClinVar:

ClinVar aggregate classification (germline): Likely benign (1 of 4 stars; one submission).

gnomAD v4.1: 2 of 1,614,074 alleles (0.00012%); highest among the groups gnomAD compares: East Asian, 0.0045%; no homozygotes.

Submission:

Women's Health and Genetics/Laboratory Corporation of America, LabCorp
Classification: Likely benign. Last evaluated: 2026-03-24. Review status: criteria provided, single submitter. Criteria: LabCorp Variant Classification Summary - May 2015. Collection method: clinical testing. Allele origin: germline.
Comment: Variant summary: TBXAS1 c.255G>T alters a conserved nucleotide resulting in a synonymous change. Consensus agreement among computation tools predict no significant impact on normal splicing. However, these predictions have yet to be confirmed by functional studies. The variant allele was found at a frequency of 1.2e-05 in 251416 control chromosomes. The available data on variant occurrences in the general population are insufficient to allow any conclusion about variant significance. To our knowledge, no occurrence of c.255G>T in individuals affected with TBXAS1-related conditions and no experimental evidence demonstrating its impact on protein function have been reported. No submitters have cited clinical-significance assessments for this variant to ClinVar. Based on the evidence outlined above, the variant was classified as likely benign.

NM_001061.7(TBXAS1):c.255G>T (p.Arg85=)

Gene: TBXAS1 (thromboxane A synthase 1; plus strand). Cytogenetic location: 7q34.
Variant type: single nucleotide variant.
Coding change: c.255G>T on transcript NM_001061.7 (MANE Select); coding-DNA position 255, G replaced by T.
Protein change: p.Arg85=; no amino-acid change (arginine 85 retained).
Molecular consequence: synonymous variant. On other transcripts: intron variant (1).
Genome position (GRCh38, 1-based): chr7:139,911,243, G>T. VCF-style: chr7-139911243-G-T. GRCh37 (hg19) VCF-style: chr7-139611042-G-T.
Other names: c.255G>T, p.Arg85= (NM_001130966.5, NM_001166253.4, NM_001366538.2 and 1 more transcripts); c.54G>T, p.Arg18= (NM_001166254.4); c.198G>T, p.Arg66= (NM_001314028.4); c.151-24948G>T (NM_001366537.3).
Identifiers: ClinVar variation 4847706 (VCV004847706.1).
Genomic context (GRCh38, chr7:139,911,243, plus strand): 5'-GGGTAATGCAACACATTTTAATGCATTTTTTATTCCTCCCAGGTACTATCTTGGTCGTCG[G>T]ATGTTTATTGTTATTTCTGAGCCAGACATGATCAAGCAGGTGTTGGTTGAGAACTTCAGT-3'
Protein context (NP_001052.3, residues 75-95): GPLCGYYLGR[Arg85=]MFIVISEPDM